The following is an entry in ClinVar:

ClinVar aggregate classification (germline): Uncertain significance (1 of 4 stars; one submission).

Conditions:
Tuberous sclerosis 2 (TSC2). Identifiers: Orphanet 805, MedGen C1860707, MONDO:0013199, OMIM 613254.

Allele frequency attached by ClinVar (database versions not stated): gnomAD exomes below 0.00001.
gnomAD v4.1: 1 of 1,612,586 alleles (0.000062%); highest among the groups gnomAD compares: East Asian, 0.0022%; no homozygotes.

Submission:

Labcorp Genetics (formerly Invitae), Labcorp
Classification: Uncertain significance for Tuberous sclerosis 2. Last evaluated: 2020-02-19. Review status: criteria provided, single submitter. Criteria: Invitae Variant Classification Sherloc (09022015). Collection method: clinical testing. Allele origin: germline.
Comment: This variant has not been reported in the literature in individuals with TSC2-related conditions. Algorithms developed to predict the effect of missense changes on protein structure and function are either unavailable or do not agree on the potential impact of this missense change (SIFT: "Deleterious"; PolyPhen-2: "Probably Damaging"; Align-GVGD: "Class C0"). In summary, the available evidence is currently insufficient to determine the role of this variant in disease. Therefore, it has been classified as a Variant of Uncertain Significance. This variant is not present in population databases (ExAC no frequency). This sequence change replaces glycine with aspartic acid at codon 1664 of the TSC2 protein (p.Gly1664Asp). The glycine residue is highly conserved and there is a moderate physicochemical difference between glycine and aspartic acid.

NM_000548.5(TSC2):c.4991G>A (p.Gly1664Asp)

Gene: TSC2 (TSC complex subunit 2; plus strand). Cytogenetic location: 16p13.3.
Variant type: single nucleotide variant.
Coding change: c.4991G>A on transcript NM_000548.5 (MANE Select); coding-DNA position 4991, G replaced by A.
Protein change: p.Gly1664Asp; replaces glycine 1664 with aspartic acid.
Molecular consequence: missense variant.
Genome position (GRCh38, 1-based): chr16:2,087,864, G>A. VCF-style: chr16-2087864-G-A. GRCh37 (hg19) VCF-style: chr16-2137865-G-A.
Other names: c.4682G>A, p.Gly1561Asp (NM_001318827.2); c.4646G>A, p.Gly1549Asp (NM_001318829.2); c.4259G>A, p.Gly1420Asp (NM_001318831.2); c.4823G>A, p.Gly1608Asp (NM_001318832.2); c.4793G>A, p.Gly1598Asp (NM_001363528.2); c.4859G>A, p.Gly1620Asp (NM_001370404.1); c.4862G>A, p.Gly1621Asp (NM_001370405.1, NM_021055.3); c.4790G>A, p.Gly1597Asp (NM_001077183.3); and 1 more; short protein forms G1420D, G1549D, G1561D, G1597D, G1598D, G1608D, G1620D, G1621D.
Identifiers: ClinVar variation 1057664 (VCV001057664.9), dbSNP rs2091044912, ClinGen allele CA394310891.